The following is an entry in ClinVar:

ClinVar aggregate classification (germline): Uncertain significance. Review status: criteria provided, multiple submitters, no conflicts (2 of 4 stars). 4 submissions from 4 submitters: Uncertain significance (3). 1 of the submissions does not count toward it. Last evaluated 2023-05-18.

Conditions:
CEP164-related disorder. Also called: CEP164-related condition.
Nephronophthisis 15 (NPHP15). Identifiers: Orphanet 3156, MedGen C3541853, MONDO:0013917, OMIM 614845.

Allele frequency attached by ClinVar (database versions not stated): gnomAD exomes 0.00001 and 0.00006; ExAC 0.00006; ESP Exome Variant Server 0.00008; gnomAD 0.00008; 1000 Genomes Project 30x 0.00016; TOPMed 0.00018; 1000 Genomes Project 0.00020.
gnomAD v4.1: 24 of 1,614,054 alleles (0.0015%); highest among the groups gnomAD compares: African/African-American, 0.028%; no homozygotes.

Submissions (4):

Genetic Services Laboratory, University of Chicago
Classification: Uncertain significance. Last evaluated: 2023-05-18. Review status: criteria provided, single submitter. Criteria: ACMG Guidelines, 2015. Collection method: clinical testing. Allele origin: germline. Affected: no.
Comment: DNA sequence analysis of the CEP164 gene demonstrated a sequence change, c.457C>T, in exon 6 that results in an amino acid change, p.Leu153Phe. This sequence change has been described in the gnomAD database with a frequency of 0.056% in the African/African American subpopulation (dbSNP rs375118998). The p.Leu153Phe change affects a moderately conserved amino acid residue located in a domain of the CEP164 protein that is not known to be functional. In-silico pathogenicity prediction tools (SIFT, PolyPhen2, Align GVGD, REVEL) provide contradictory results for the p.Leu153Phe substitution. This sequence change does not appear to have been previously described in individuals with CEP164-related disorders. Due to insufficient evidences and the lack of functional studies, the clinical significance of the p.Leu153Phe change remains unknown at this time.

Labcorp Genetics (formerly Invitae), Labcorp
Classification: Uncertain significance for Nephronophthisis 15. Last evaluated: 2022-08-16. Review status: criteria provided, single submitter. Criteria: Invitae Variant Classification Sherloc (09022015). Collection method: clinical testing. Allele origin: germline.
Comment: This sequence change replaces leucine, which is neutral and non-polar, with phenylalanine, which is neutral and non-polar, at codon 153 of the CEP164 protein (p.Leu153Phe). This variant is present in population databases (rs375118998, gnomAD 0.06%). This variant has not been reported in the literature in individuals affected with CEP164-related conditions. ClinVar contains an entry for this variant (Variation ID: 198213). Algorithms developed to predict the effect of missense changes on protein structure and function are either unavailable or do not agree on the potential impact of this missense change (SIFT: "Deleterious"; PolyPhen-2: "Benign"; Align-GVGD: "Class C15"). In summary, the available evidence is currently insufficient to determine the role of this variant in disease. Therefore, it has been classified as a Variant of Uncertain Significance.

Eurofins Ntd Llc (ga)
Classification: Uncertain significance. Last evaluated: 2015-04-01. Review status: criteria provided, single submitter. Criteria: EGL Classification Definitions 2015. Collection method: clinical testing. Allele origin: germline. Observed: 1 variant allele, 1 heterozygote.

PreventionGenetics, part of Exact Sciences
Classification: Uncertain significance for CEP164-related condition. Last evaluated: 2024-09-20. Review status: no assertion criteria provided. Collection method: clinical testing. Allele origin: germline. Not counted in ClinVar's aggregate classification.
Comment: The CEP164 c.457C>T variant is predicted to result in the amino acid substitution p.Leu153Phe. To our knowledge, this variant has not been reported in the literature. This variant is reported in 0.056% of alleles in individuals of African descent in gnomAD which may be too frequent for a disease-causing variant. Although we suspect that this variant may be benign, at this time, the clinical significance of this variant is uncertain due to the absence of conclusive functional and genetic evidence.

NM_014956.5(CEP164):c.457C>T (p.Leu153Phe)

Gene: CEP164 (centrosomal protein 164; plus strand). Cytogenetic location: 11q23.3.
Variant type: single nucleotide variant.
Coding change: c.457C>T on transcript NM_014956.5 (MANE Select); coding-DNA position 457, C replaced by T.
Protein change: p.Leu153Phe; replaces leucine 153 with phenylalanine.
Molecular consequence: missense variant.
Genome position (GRCh38, 1-based): chr11:117,361,898, C>T. VCF-style: chr11-117361898-C-T. GRCh37 (hg19) VCF-style: chr11-117232614-C-T.
Other names: c.457C>T, p.Leu153Phe (NM_001271933.2); c.457C>T (NM_014956.4); short protein forms L153F.
Identifiers: ClinVar variation 198213 (VCV000198213.12), dbSNP rs375118998, ClinGen allele CA246748.